The following is an entry in ClinVar:

ClinVar aggregate classification (germline): Uncertain significance (1 of 4 stars; one submission).

Conditions:
Familial adenomatous polyposis 1 (FAP1). Also called: FAMILIAL ADENOMATOUS POLYPOSIS 1, ATTENUATED; POLYPOSIS, ADENOMATOUS INTESTINAL. Identifiers: MedGen C2713442, MONDO:0021056, OMIM 175100. Disease mechanism: loss of function.

gnomAD v4.1: 1 of 583,302 alleles (0.00017%); highest among the groups gnomAD compares: South Asian, 0.0018%; no homozygotes.

Submission:

Labcorp Genetics (formerly Invitae), Labcorp
Classification: Uncertain significance for Familial adenomatous polyposis 1. Last evaluated: 2021-07-15. Review status: criteria provided, single submitter. Criteria: Invitae Variant Classification Sherloc (09022015). Collection method: clinical testing. Allele origin: germline.
Comment: This variant occurs in a non-coding region of the APC gene. It does not change the encoded amino acid sequence of the APC protein. The frequency data for this variant in the population databases is considered unreliable, as metrics indicate insufficient coverage at this position in the ExAC database. This variant has not been reported in the literature in individuals with APC-related conditions. Experimental studies and prediction algorithms are not available or were not evaluated, and the functional significance of this variant is currently unknown. In summary, the available evidence is currently insufficient to determine the role of this variant in disease. Therefore, it has been classified as a Variant of Uncertain Significance.

NM_001127511.3(APC):c.-165G>C

Gene: APC (APC regulator of Wnt signaling pathway; plus strand). Cytogenetic location: 5q22.2.
Variant type: single nucleotide variant.
Coding change: c.-165G>C on transcript NM_001127511.3; 165 bases upstream of the start codon, G replaced by C.
Molecular consequence: 5 prime UTR variant. On other transcripts: non-coding transcript variant (2).
Genome position (GRCh38, 1-based): chr5:112,707,553, G>C. VCF-style: chr5-112707553-G-C. GRCh37 (hg19) VCF-style: chr5-112043250-G-C.
Other names: c.-348G>C (NM_001354895.2, NM_001407447.1, NM_001407452.1 and 3 more transcripts); c.-165G>C (NM_001354897.2, NM_001354902.2, NM_001407446.1); c.-115G>C (NM_001407448.1, NM_001407450.1, NM_001407457.1 and 1 more transcripts); c.-139G>C (NM_001407453.1); c.-1383G>C (NM_001407470.1, NM_001407472.1).
Identifiers: ClinVar variation 1021822 (VCV001021822.7), dbSNP rs1580996027, ClinGen allele CA1573442432.